The following is an entry in ClinVar:

ClinVar aggregate classification (germline): Uncertain significance. Review status: criteria provided, multiple submitters, no conflicts (2 of 4 stars). 2 submissions from 2 submitters: Uncertain significance (2). Last evaluated 2021-05-31.

Conditions:
Hereditary cancer-predisposing syndrome. Also called: Tumor predisposition; Hereditary neoplastic syndrome; Hereditary Cancer Syndrome; Neoplastic Syndromes, Hereditary. Identifiers: Orphanet 140162, MedGen C0027672, MeSH D009386, MONDO:0015356.

Submissions (2):

Ambry Genetics
Classification: Uncertain significance for Hereditary cancer-predisposing syndrome. Last evaluated: 2021-05-31. Review status: criteria provided, single submitter. Criteria: Ambry Variant Classification Scheme 2023. Collection method: clinical testing. Allele origin: germline.
Comment: The p.F802L variant (also known as c.2404T>C), located in coding exon 15 of the ATM gene, results from a T to C substitution at nucleotide position 2404. The phenylalanine at codon 802 is replaced by leucine, an amino acid with highly similar properties. This amino acid position is well conserved in available vertebrate species. In addition, this alteration is predicted to be tolerated by in silico analysis. Since supporting evidence is limited at this time, the clinical significance of this alteration remains unclear.

Women's Health and Genetics/Laboratory Corporation of America, LabCorp
Classification: Uncertain significance. Last evaluated: 2021-05-10. Review status: criteria provided, single submitter. Criteria: LabCorp Variant Classification Summary - May 2015. Collection method: clinical testing. Allele origin: germline.
Comment: Variant summary: ATM c.2404T>C (p.Phe802Leu) results in a non-conservative amino acid change in the encoded protein sequence. Four of five in-silico tools predict a benign effect of the variant on protein function. The variant was absent in 251220 control chromosomes. The available data on variant occurrences in the general population are insufficient to allow any conclusion about variant significance. To our knowledge, no occurrence of c.2404T>C in individuals affected with Breast Cancer and no experimental evidence demonstrating its impact on protein function have been reported. No clinical diagnostic laboratories have submitted clinical-significance assessments for this variant to ClinVar after 2014. Based on the evidence outlined above, the variant was classified as uncertain significance.

NM_000051.4(ATM):c.2404T>C (p.Phe802Leu)

Gene: ATM (ATM serine/threonine kinase; plus strand). Cytogenetic location: 11q22.3.
Variant type: single nucleotide variant.
Coding change: c.2404T>C on transcript NM_000051.4 (MANE Select); coding-DNA position 2404, T replaced by C.
Protein change: p.Phe802Leu; replaces phenylalanine 802 with leucine.
Molecular consequence: missense variant.
Genome position (GRCh38, 1-based): chr11:108,259,013, T>C. VCF-style: chr11-108259013-T-C. GRCh37 (hg19) VCF-style: chr11-108129740-T-C.
Other names: c.2404T>C, p.Phe802Leu (NM_001351834.2); short protein forms F802L.
Identifiers: ClinVar variation 1098790 (VCV001098790.3), dbSNP rs2080695065, ClinGen allele CA382541153.
Genomic context (GRCh38, chr11:108,259,013, plus strand): 5'-TGTTGCTTGGTTCTTTGTTTGTCTTAATTGCAGAAGAGTCCAAATAAGATTGCATCTGGC[T>C]TTTTCCTGCGATTGTTAACATCAAAGCTAATGAATGACATTGCAGATATTTGTAAAAGTT-3'
Protein context (NP_000042.3, residues 792-812): KKSPNKIASG[Phe802Leu]FLRLLTSKLM